The following is an entry in ClinVar:

ClinVar aggregate classification (germline): Conflicting classifications of pathogenicity. Review status: criteria provided, conflicting classifications (1 of 4 stars). 2 submissions from 2 submitters: Uncertain significance (1); Likely benign (1). Last evaluated 2026-10-01.

Conditions:
Pheochromocytoma. Also called: MAX-Related Hereditary Paraganglioma-Pheochromocytoma Syndrome. Identifiers: Orphanet 29072, MedGen C0031511, MONDO:0008233, OMIM 171300, HP:0002666.
MAX-related disorder. Also called: MAX-related condition.

gnomAD v4.1: 46 of 1,609,550 alleles (0.0029%); highest among the groups gnomAD compares: African/African-American, 0.059%; no homozygotes.

Submissions (2):

St. Jude Molecular Pathology, St. Jude Children's Research Hospital
Classification: Uncertain significance for Pheochromocytoma. Last evaluated: 2026-10-01. Review status: criteria provided, single submitter. Criteria: St. Jude Assertion Criteria 2020. Collection method: clinical testing. Allele origin: germline.
Comment: The MAX c.199A>C p.(Thr67Pro) missense change has a maximum subpopulation frequency of 0.06% in gnomAD v2.1.1. The in silico tool REVEL predicts a benign effect on protein function, but to our knowledge this prediction has not been confirmed by functional studies. This variant has been reported in an individual with a pheochromocytoma (PMID: 29534198 ). In summary, the evidence currently available is insufficient to determine the clinical significance of this variant. It has therefore been classified as of uncertain significance.

PreventionGenetics, part of Exact Sciences
Classification: Likely benign for MAX-related condition. Last evaluated: 2025-04-23. Review status: criteria provided, single submitter. Criteria: ACMG Guidelines, 2015. Collection method: clinical testing. Allele origin: germline.
Comment: This variant is classified as likely benign based on ACMG/AMP sequence variant interpretation guidelines (Richards et al. 2015 PMID: 25741868, with internal and published modifications).

NM_002382.5(MAX):c.172-6236A>C

Gene: MAX (MYC associated transcriptional regulator X; minus strand). Cytogenetic location: 14q23.3.
Variant type: single nucleotide variant.
Coding change: c.172-6236A>C on transcript NM_002382.5 (MANE Select); 6236 bases into the intron before coding-DNA position 172, A replaced by C.
Molecular consequence: intron variant. On other transcripts: missense variant (3), synonymous variant (1), non-coding transcript variant (4).
Genome position (GRCh38, 1-based): chr14:65,084,272, T>G on the plus strand (A>C on the coding strand, the complement: MAX is on the minus strand). VCF-style: chr14-65084272-T-G. GRCh37 (hg19) VCF-style: chr14-65550990-T-G.
Other names: c.199A>C (NM_145114.2); c.172A>C, p.Thr58Pro (NM_001271068.2, NM_001407113.1); c.222A>C, p.Val74= (NM_001407114.1); c.199A>C, p.Thr67Pro (NM_145114.3); c.144+9436A>C (NM_001271069.2); c.171+9436A>C (NM_197957.4); c.-196-6236A>C (NM_001407112.1, NM_001407111.1); c.-103-6236A>C (NM_001407106.1, NM_001407107.1, NM_001320415.2 and 1 more transcripts); and 3 more; short protein forms T58P, T67P.
Identifiers: ClinVar variation 4987316 (VCV004987316.2).
Genomic context (GRCh38, chr14:65,084,272, plus strand): 5'-GGTAGCTTGAAATGAAGGTGTGGCATTTCTGCATCAAACTTTGACGATGAAGGACAGGAG[T>G]ACACAATTTCCAAAAGAGGAAATAGAGCTAGTAAATAAACATGTGGAAAAGCAATTAATT-3'